The following is an entry in ClinVar:

NM_001395656.1(ROBO2):c.3262G>T (p.Gly1088Cys)

Gene: ROBO2 (roundabout guidance receptor 2; plus strand). Cytogenetic location: 3p12.3.
Variant type: single nucleotide variant.
Coding change: c.3262G>T on transcript NM_001395656.1 (MANE Select); coding-DNA position 3262, G replaced by T.
Protein change: p.Gly1088Cys; replaces glycine 1088 with cysteine.
Molecular consequence: missense variant.
Genome position (GRCh38, 1-based): chr3:77,607,911, G>T. VCF-style: chr3-77607911-G-T. GRCh37 (hg19) VCF-style: chr3-77657062-G-T.
Other names: c.3298G>T, p.Gly1100Cys (NM_001128929.3); c.3262G>T, p.Gly1088Cys (NM_001290039.2, NM_001290040.2); c.1471G>T, p.Gly491Cys (NM_001290065.2); c.3310G>T, p.Gly1104Cys (NM_001378190.1, NM_001378200.1, NM_001378201.1 and 1 more transcripts); c.3436G>T, p.Gly1146Cys (NM_001378191.1, NM_001378195.1, NM_001378196.1); c.3331G>T, p.Gly1111Cys (NM_001378192.1, NM_001378198.1, NM_001378199.1); c.3250G>T, p.Gly1084Cys (NM_001378193.1, NM_002942.5); c.3448G>T, p.Gly1150Cys (NM_001378194.1); and 5 more; short protein forms G1085C, G1146C, G1088C, G1111C, G1126C, G1100C, G1104C, G1149C.
Identifiers: ClinVar variation 3008913 (VCV003008913.3), dbSNP rs763828605, ClinGen allele CA2497600.
Genomic context (GRCh38, chr3:77,607,911, plus strand): 5'-AACAATGGATCCACTTGGGCCAATGTCCCTCTACCTCCCCCCCCAGTCCAGCCCCTTCCT[G>T]GCACGGAGCTGGAACACTATGCAGTGGAACAACAAGAAAATGGGTAAAGATATTTTATAT-3'
Protein context (NP_001382585.1, residues 1078-1098): LPPPPVQPLP[Gly1088Cys]TELEHYAVEQ

ClinVar aggregate classification (germline): Uncertain significance (1 of 4 stars; one submission).

Allele frequency attached by ClinVar (database versions not stated): gnomAD exomes below 0.00001; ExAC 0.00001; gnomAD 0.00001.
gnomAD v4.1: 2 of 1,613,682 alleles (0.00012%); highest among the groups gnomAD compares: South Asian, 0.0022%; no homozygotes.

Submission:

Labcorp Genetics (formerly Invitae), Labcorp
Classification: Uncertain significance. Last evaluated: 2024-01-16. Review status: criteria provided, single submitter. Criteria: Invitae Variant Classification Sherloc (09022015). Collection method: clinical testing. Allele origin: germline.
Comment: This sequence change replaces glycine, which is neutral and non-polar, with cysteine, which is neutral and slightly polar, at codon 1084 of the ROBO2 protein (p.Gly1084Cys). This variant is present in population databases (rs763828605, gnomAD 0.003%). This variant has not been reported in the literature in individuals affected with ROBO2-related conditions. Advanced modeling of protein sequence and biophysical properties (such as structural, functional, and spatial information, amino acid conservation, physicochemical variation, residue mobility, and thermodynamic stability) performed at Invitae indicates that this missense variant is not expected to disrupt ROBO2 protein function with a negative predictive value of 95%. In summary, the available evidence is currently insufficient to determine the role of this variant in disease. Therefore, it has been classified as a Variant of Uncertain Significance.